The following is an entry in ClinVar:

ClinVar aggregate classification (germline): Uncertain significance (1 of 4 stars; one submission).

Conditions:
Retinitis pigmentosa 59 (RP59). Identifiers: Orphanet 791, MedGen C3151227, MONDO:0013468, OMIM 613861.

Submission:

Labcorp Genetics (formerly Invitae), Labcorp
Classification: Uncertain significance for Retinitis pigmentosa 59. Last evaluated: 2024-01-10. Review status: criteria provided, single submitter. Criteria: Invitae Variant Classification Sherloc (09022015). Collection method: clinical testing. Allele origin: germline.
Comment: This sequence change replaces glycine, which is neutral and non-polar, with arginine, which is basic and polar, at codon 7 of the DHDDS protein (p.Gly7Arg). This variant is not present in population databases (gnomAD no frequency). This variant has not been reported in the literature in individuals affected with DHDDS-related conditions. ClinVar contains an entry for this variant (Variation ID: 2095063). An algorithm developed to predict the effect of missense changes on protein structure and function (PolyPhen-2) suggests that this variant¬†is likely to be tolerated. In summary, the available evidence is currently insufficient to determine the role of this variant in disease. Therefore, it has been classified as a Variant of Uncertain Significance.

NM_205861.3(DHDDS):c.19G>A (p.Gly7Arg)

Gene: DHDDS (dehydrodolichyl diphosphate synthase subunit; plus strand). Cytogenetic location: 1p36.11.
Variant type: single nucleotide variant.
Coding change: c.19G>A on transcript NM_205861.3 (MANE Select); coding-DNA position 19, G replaced by A.
Protein change: p.Gly7Arg; replaces glycine 7 with arginine.
Molecular consequence: missense variant. On other transcripts: 5 prime UTR variant (1).
Genome position (GRCh38, 1-based): chr1:26,432,964, G>A. VCF-style: chr1-26432964-G-A. GRCh37 (hg19) VCF-style: chr1-26759455-G-A.
Other names: c.19G>A, p.Gly7Arg (NM_001243564.2, NM_001243565.2, NM_024887.4); c.-284G>A (NM_001319959.2); short protein forms G7R.
Identifiers: ClinVar variation 2095063 (VCV002095063.2), dbSNP rs2524405042, ClinGen allele CA339137030.